The following is an entry in ClinVar:

ClinVar aggregate classification (germline): Likely benign (1 of 4 stars; one submission).

Conditions:
Tuberous sclerosis syndrome (TSC). Also called: Tuberous sclerosis; Tuberous Sclerosis Complex. Identifiers: Orphanet 805, MedGen C0041341, MONDO:0001734.

Submission:

All of Us Research Program, National Institutes of Health
Classification: Likely benign for Tuberous sclerosis syndrome. Last evaluated: 2023-04-03. Review status: criteria provided, single submitter. Criteria: ACMG Guidelines, 2015. Collection method: clinical testing. Allele origin: germline. Inheritance: Autosomal dominant inheritance. Observed: 1 variant allele, 1 heterozygote.
Comment: This study involves interpretation of variants in research participants for the purpose of population health screening. Participant phenotype was not available at the time of variant classification. Additional details can be found in publication PMID: 35346344, PMCID: PMC8962531

NM_000548.5(TSC2):c.4663-4del

Gene: TSC2 (TSC complex subunit 2; plus strand). Cytogenetic location: 16p13.3.
Variant type: Deletion.
Coding change: c.4663-4del on transcript NM_000548.5 (MANE Select); 4 bases into the intron before coding-DNA position 4663, one base deleted (A; older notation c.4663-4delA).
Molecular consequence: intron variant.
Genome position (GRCh38, 1-based): chr16:2,086,189, A deleted. VCF-style (leftmost placement, unchanged base first): chr16-2086188-CA-C. GRCh37 (hg19) VCF-style: chr16-2136189-CA-C.
Other names: c.3121-4del (NM_001406693.1, NM_001406692.1, NM_001406694.1); c.4555-4del (NM_001406667.1); c.4552-4del (NM_001406668.1); c.4063-4del (NM_001406680.1); c.3994-4del (NM_001406683.1, NM_001406682.1); c.3862-4del (NM_001406687.1, NM_001406688.1); c.3250-4del (NM_001406689.1); c.3190-4del (NM_001406690.1); and 26 more.
Identifiers: ClinVar variation 3070122 (VCV003070122.1), dbSNP rs2544365857, ClinGen allele CA2825002339.